The following is an entry in ClinVar:

NM_001164508.2(NEB):c.7146del (p.Asn2383fs)

Gene: NEB (nebulin; minus strand). Cytogenetic location: 2q23.3.
Variant type: Deletion.
Coding change: c.7146del on transcript NM_001164508.2 (MANE Select); coding-DNA position 7146, one base deleted (G; older notation c.7146delG).
Protein change: p.Asn2383fs; shifts the reading frame from asparagine 2383.
Molecular consequence: frameshift variant.
Genome position (GRCh38, 1-based): chr2:151,650,655, C deleted on the plus strand (G on the coding strand, the reverse complement: NEB is on the minus strand). VCF-style (leftmost placement, unchanged base first): chr2-151650654-TC-T. GRCh37 (hg19) VCF-style: chr2-152507168-TC-T.
Other names: c.7146del, p.Asn2383fs (NM_001164507.2, NM_001271208.2, NM_004543.5); short protein forms N2383fs.
Identifiers: ClinVar variation 1724438 (VCV001724438.2), dbSNP rs2552249878, ClinGen allele CA2580064171.

ClinVar aggregate classification (germline): Likely pathogenic (1 of 4 stars; one submission).

Conditions:
Nemaline myopathy 2 (NEM2). Also called: Nemaline myopathy 2, autosomal recessive. Identifiers: MedGen C1850569, MONDO:0009725, OMIM 256030.

Submission:

Myriad Genetics, Inc.
Classification: Likely pathogenic for Nemaline myopathy 2. Last evaluated: 2021-11-13. Review status: criteria provided, single submitter. Criteria: Myriad Women's Health Autosomal Recessive and X-Linked Classification Criteria (2021). Collection method: clinical testing. Allele origin: unknown.
Comment: NM_001271208.1(NEB):c.7146delG(N2383Tfs*37) is expected to be pathogenic in the context of NEB-related nemaline myopathy. This variant is predicted to lead to an abnormal or absent protein product due to the creation of a premature termination codon in NEB, a gene where loss-of-function variants are known to be pathogenic. Please note: this variant was assessed in the context of healthy population screening.